The following is an entry in ClinVar:

NM_003072.5(SMARCA4):c.4768+9C>T

Gene: SMARCA4 (SWI/SNF related BAF chromatin remodeling complex subunit ATPase 4; plus strand). Cytogenetic location: 19p13.2.
Variant type: single nucleotide variant.
Coding change: c.4768+9C>T on transcript NM_003072.5 (MANE Select); 9 bases into the intron after coding-DNA position 4768, C replaced by T.
Molecular consequence: intron variant.
Genome position (GRCh38, 1-based): chr19:11,059,894, C>T. VCF-style: chr19-11059894-C-T. GRCh37 (hg19) VCF-style: chr19-11170570-C-T.
Other names: c.4768+9C>T (NM_001128844.3); c.4864+9C>T (NM_001128849.3, NM_001387283.1); c.4669+9C>T (NM_001128847.4, NM_001374457.1); c.4678+9C>T (NM_001128845.2); c.4675+9C>T (NM_001128846.2); c.4666+9C>T (NM_001128848.2).
Identifiers: ClinVar variation 415070 (VCV000415070.14), dbSNP rs752442156, ClinGen allele CA9204844.

ClinVar aggregate classification (germline): Likely benign. Review status: criteria provided, multiple submitters, no conflicts (2 of 4 stars). 4 submissions from 4 submitters: Likely benign (4). Last evaluated 2026-07-08.

Conditions:
SMARCA4-related disorder. Also called: SMARCA4-related condition.
Rhabdoid tumor predisposition syndrome 2 (RTPS2). Identifiers: Orphanet 231108, Orphanet 69077, MedGen C2750074, MONDO:0013224, OMIM 613325.

Allele frequency attached by ClinVar (database versions not stated): gnomAD 0.00003 and 0.00002; gnomAD exomes 0.00004 and 0.00003; TOPMed 0.00004; ExAC 0.00003.
gnomAD v4.1: 66 of 1,613,536 alleles (0.0041%); highest among the groups gnomAD compares: Middle Eastern, 0.016%; no homozygotes.

Submissions (4):

Myriad Genetics, Inc.
Classification: Likely benign for Rhabdoid tumor predisposition syndrome 2. Last evaluated: 2026-07-08. Review status: criteria provided, single submitter. Criteria: Myriad Autosomal Dominant, Autosomal Recessive and X-Linked Classification Criteria (2023). Collection method: clinical testing. Allele origin: unknown.
Comment: This variant is considered likely benign. This variant is intronic and is not expected to impact mRNA splicing.

Labcorp Genetics (formerly Invitae), Labcorp
Classification: Likely benign for Rhabdoid tumor predisposition syndrome 2. Last evaluated: 2026-02-02. Review status: criteria provided, single submitter. Criteria: Invitae Variant Classification Sherloc (09022015). Collection method: clinical testing. Allele origin: germline.

PreventionGenetics, part of Exact Sciences
Classification: Likely benign for SMARCA4-related condition. Last evaluated: 2025-12-09. Review status: criteria provided, single submitter. Criteria: ACMG Guidelines, 2015. Collection method: clinical testing. Allele origin: germline.
Comment: This variant is classified as likely benign based on ACMG/AMP sequence variant interpretation guidelines (Richards et al. 2015 PMID: 25741868, with internal and published modifications).

Blueprint Genetics
Classification: Likely benign. Last evaluated: 2024-07-04. Review status: criteria provided, single submitter. Criteria: ACMG Guidelines, 2015. Collection method: clinical testing. Allele origin: germline.